The following is an entry in ClinVar:

NM_015512.5(DNAH1):c.2828T>C (p.Ile943Thr)

Gene: DNAH1 (dynein axonemal heavy chain 1; plus strand). Cytogenetic location: 3p21.1.
Variant type: single nucleotide variant.
Coding change: c.2828T>C on transcript NM_015512.5 (MANE Select); coding-DNA position 2828, T replaced by C.
Protein change: p.Ile943Thr; replaces isoleucine 943 with threonine.
Molecular consequence: missense variant.
Genome position (GRCh38, 1-based): chr3:52,352,060, T>C. VCF-style: chr3-52352060-T-C. GRCh37 (hg19) VCF-style: chr3-52386076-T-C.
Other names: short protein forms I943T.
Identifiers: ClinVar variation 766963 (VCV000766963.11), dbSNP rs201816069, ClinGen allele CA2433397.

ClinVar aggregate classification (germline): Conflicting classifications of pathogenicity. Review status: criteria provided, conflicting classifications (1 of 4 stars). 2 submissions from 2 submitters: Uncertain significance (1); Benign (1). Last evaluated 2026-01-15.

Conditions:
Spermatogenic failure 18. Identifiers: MedGen C4539783, MONDO:0054615, OMIM 617576.
Ciliary dyskinesia, primary, 37 (CILD37). Also called: CILIARY DYSKINESIA, PRIMARY, 37, WITH OR WITHOUT SITUS INVERSUS. Identifiers: MedGen C4539798, MONDO:0033204, OMIM 617577.

Allele frequency attached by ClinVar (database versions not stated): ESP Exome Variant Server 0.00008; gnomAD 0.00013 and 0.00014; gnomAD exomes 0.00026 and 0.00064; TOPMed 0.00031; 1000 Genomes Project 30x 0.00016; 1000 Genomes Project 0.00020; ExAC 0.00085.
gnomAD v4.1: 175 of 1,588,366 alleles (0.011%); highest among the groups gnomAD compares: Admixed American, 0.3%; 1 homozygote.

Submissions (2):

Labcorp Genetics (formerly Invitae), Labcorp
Classification: Benign for Ciliary dyskinesia, primary, 37; Spermatogenic failure 18. Last evaluated: 2026-01-15. Review status: criteria provided, single submitter. Criteria: Invitae Variant Classification Sherloc (09022015). Collection method: clinical testing. Allele origin: germline.

GeneDx
Classification: Uncertain significance. Last evaluated: 2024-09-26. Review status: criteria provided, single submitter. Criteria: GeneDx Variant Classification Process June 2021. Collection method: clinical testing. Allele origin: germline. Affected: yes.
Comment: In silico analysis indicates that this missense variant does not alter protein structure/function; Has not been previously published as pathogenic or benign to our knowledge